The following is an entry in ClinVar:

NM_024426.6(WT1):c.312G>T (p.Ala104=)

Genes: WT1 (WT1 transcription factor; minus strand), LOC107982234 (WT1/WT1-AS bi-directional promoter region; plus strand). Cytogenetic location: 11p13.
Variant type: single nucleotide variant.
Coding change: c.312G>T on transcript NM_024426.6 (MANE Select); coding-DNA position 312, G replaced by T.
Protein change: p.Ala104=; no amino-acid change (alanine 104 retained).
Molecular consequence: synonymous variant. On other transcripts: non-coding transcript variant (2).
Genome position (GRCh38, 1-based): chr11:32,435,049, C>A on the plus strand (G>T on the coding strand, the complement: WT1 is on the minus strand). VCF-style: chr11-32435049-C-A. GRCh37 (hg19) VCF-style: chr11-32456595-C-A.
Other names: c.312G>T, p.Ala104= (NM_000378.6, NM_001407044.1, NM_001407045.1 and 6 more transcripts); c.297G>T, p.Ala99= (NM_024425.2).
Identifiers: ClinVar variation 2925954 (VCV002925954.11), dbSNP rs1590410376, ClinGen allele CA473773876.

ClinVar aggregate classification (germline): Likely benign. Review status: criteria provided, multiple submitters, no conflicts (2 of 4 stars). 2 submissions from 2 submitters: Likely benign (2). Last evaluated 2025-08-01.

Conditions:
Frasier syndrome. Identifiers: Orphanet 347, MedGen C0950122, MeSH D052159, MONDO:0007635, OMIM 136680.
Drash syndrome (DDS). Also called: NEPHROPATHY, WILMS TUMOR, AND GENITAL ANOMALIES; WILMS TUMOR AND PSEUDO- OR TRUE HERMAPHRODITISM. Identifiers: Orphanet 220, MedGen C0950121, MONDO:0008682, OMIM 194080.
Wilms tumor 1 (WT1). Also called: Wilms tumor, somatic. Identifiers: Orphanet 654, MedGen CN033288, MONDO:0008679, OMIM 194070.
11p partial monosomy syndrome (WAGR). Also called: CHROMOSOME 11p13 DELETION SYNDROME; WAGR syndrome; WAGR Spectrum Disorder; WAGR Complex. Identifiers: Orphanet 893, MedGen C0206115, MONDO:0008681, OMIM 194072.

Submissions (2):

CeGaT Center for Human Genetics Tuebingen
Classification: Likely benign. Last evaluated: 2025-08-01. Review status: criteria provided, single submitter. Criteria: CeGaT Center For Human Genetics Tuebingen Variant Classification Criteria Version 2. Collection method: clinical testing. Allele origin: germline. Affected: yes. Observed: 1 variant allele.
Comment: WT1: PM2:Supporting, BP4, BP7

Labcorp Genetics (formerly Invitae), Labcorp
Classification: Likely benign for Wilms tumor 1; Drash syndrome; 11p partial monosomy syndrome; Frasier syndrome. Last evaluated: 2023-11-28. Review status: criteria provided, single submitter. Criteria: Invitae Variant Classification Sherloc (09022015). Collection method: clinical testing. Allele origin: germline.